The following is an entry in ClinVar:

NM_133433.4(NIPBL):c.2701A>C (p.Asn901His)

Gene: NIPBL (NIPBL cohesin loading factor; plus strand). Cytogenetic location: 5p13.2.
Variant type: single nucleotide variant.
Coding change: c.2701A>C on transcript NM_133433.4 (MANE Select); coding-DNA position 2701, A replaced by C.
Protein change: p.Asn901His; replaces asparagine 901 with histidine.
Molecular consequence: missense variant.
Genome position (GRCh38, 1-based): chr5:36,985,881, A>C. VCF-style: chr5-36985881-A-C. GRCh37 (hg19) VCF-style: chr5-36985983-A-C.
Other names: c.2701A>C, p.Asn901His (NM_015384.5); short protein forms N901H.
Identifiers: ClinVar variation 945699 (VCV000945699.11), dbSNP rs918012033, ClinGen allele CA117044978.

ClinVar aggregate classification (germline): Uncertain significance. Review status: criteria provided, multiple submitters, no conflicts (2 of 4 stars). 3 submissions from 3 submitters: Uncertain significance (3). Last evaluated 2024-07-17.

Conditions:
Cornelia de Lange syndrome 1 (CDLS1). Also called: NIPBL-Related Cornelia de Lange Syndrome; Brachmann de Lange syndrome; TYPUS DEGENERATIVUS AMSTELODAMENSIS. Identifiers: Orphanet 199, MedGen C4551851, MONDO:0007387, OMIM 122470.
Inborn genetic diseases. Identifiers: MedGen C0950123, MeSH D030342.

Allele frequency attached by ClinVar (database versions not stated): TOPMed below 0.00001; gnomAD 0.00001.
gnomAD v4.1: 2 of 1,613,838 alleles (0.00012%); highest among the groups gnomAD compares: African/African-American, 0.0013%; no homozygotes.

Submissions (3):

Ambry Genetics
Classification: Uncertain significance for Inborn genetic diseases. Last evaluated: 2024-07-17. Review status: criteria provided, single submitter. Criteria: Ambry Variant Classification Scheme 2023. Collection method: clinical testing. Allele origin: germline.

Fulgent Genetics
Classification: Uncertain significance for Cornelia de Lange syndrome 1. Last evaluated: 2024-06-01. Review status: criteria provided, single submitter. Criteria: ACMG Guidelines, 2015. Collection method: clinical testing. Allele origin: germline.

Labcorp Genetics (formerly Invitae), Labcorp
Classification: Uncertain significance for Cornelia de Lange syndrome 1. Last evaluated: 2019-05-22. Review status: criteria provided, single submitter. Criteria: Invitae Variant Classification Sherloc (09022015). Collection method: clinical testing. Allele origin: germline.
Comment: In summary, the available evidence is currently insufficient to determine the role of this variant in disease. Therefore, it has been classified as a Variant of Uncertain Significance. Algorithms developed to predict the effect of missense changes on protein structure and function are either unavailable or do not agree on the potential impact of this missense change (SIFT: "Deleterious"; PolyPhen-2: "Benign"; Align-GVGD: "Class C0"). This variant has not been reported in the literature in individuals with NIPBL-related conditions. This variant is not present in population databases (ExAC no frequency). This sequence change replaces asparagine with histidine at codon 901 of the NIPBL protein (p.Asn901His). The asparagine residue is moderately conserved and there is a small physicochemical difference between asparagine and histidine.